The following is an entry in ClinVar:

ClinVar aggregate classification (germline): Uncertain significance (1 of 4 stars; one submission).

Allele frequency attached by ClinVar (database versions not stated): gnomAD exomes 0.00001; TOPMed 0.00002.
gnomAD v4.1: 7 of 1,610,472 alleles (0.00043%); highest among the groups gnomAD compares: South Asian, 0.0022%; no homozygotes.

Submission:

Labcorp Genetics (formerly Invitae), Labcorp
Classification: Uncertain significance. Last evaluated: 2021-08-24. Review status: criteria provided, single submitter. Criteria: Invitae Variant Classification Sherloc (09022015). Collection method: clinical testing. Allele origin: germline.
Comment: This sequence change replaces arginine with glutamine at codon 339 of the AHR protein (p.Arg339Gln). The arginine residue is highly conserved and there is a small physicochemical difference between arginine and glutamine. This variant is not present in population databases (ExAC no frequency). This variant has not been reported in the literature in individuals affected with AHR-related conditions. Algorithms developed to predict the effect of missense changes on protein structure and function are either unavailable or do not agree on the potential impact of this missense change (SIFT: "Tolerated"; PolyPhen-2: "Possibly Damaging"; Align-GVGD: "Class C0"). In summary, the available evidence is currently insufficient to determine the role of this variant in disease. Therefore, it has been classified as a Variant of Uncertain Significance.

NM_001621.5(AHR):c.1016G>A (p.Arg339Gln)

Gene: AHR (aryl hydrocarbon receptor; plus strand). Cytogenetic location: 7p21.1.
Variant type: single nucleotide variant.
Coding change: c.1016G>A on transcript NM_001621.5 (MANE Select); coding-DNA position 1016, G replaced by A.
Protein change: p.Arg339Gln; replaces arginine 339 with glutamine.
Molecular consequence: missense variant.
Genome position (GRCh38, 1-based): chr7:17,334,994, G>A. VCF-style: chr7-17334994-G-A. GRCh37 (hg19) VCF-style: chr7-17374618-G-A.
Other names: short protein forms R339Q.
Identifiers: ClinVar variation 1005613 (VCV001005613.6), dbSNP rs1782339624, ClinGen allele CA366892636.